The following is an entry in ClinVar:

ClinVar aggregate classification (germline): Uncertain significance (1 of 4 stars; one submission).

Submission:

GeneDx
Classification: Uncertain significance. Last evaluated: 2024-05-22. Review status: criteria provided, single submitter. Criteria: GeneDx Variant Classification Process June 2021. Collection method: clinical testing. Allele origin: germline. Affected: yes.
Comment: Not observed at significant frequency in large population cohorts (gnomAD); In silico analysis supports that this missense variant has a deleterious effect on protein structure/function; Has not been previously published as pathogenic or benign to our knowledge

NM_014975.3(MAST1):c.1676T>C (p.Ile559Thr)

Gene: MAST1 (microtubule associated serine/threonine kinase 1; plus strand). Cytogenetic location: 19p13.13.
Variant type: single nucleotide variant.
Coding change: c.1676T>C on transcript NM_014975.3 (MANE Select); coding-DNA position 1676, T replaced by C.
Protein change: p.Ile559Thr; replaces isoleucine 559 with threonine.
Molecular consequence: missense variant.
Genome position (GRCh38, 1-based): chr19:12,865,353, T>C. VCF-style: chr19-12865353-T-C. GRCh37 (hg19) VCF-style: chr19-12976167-T-C.
Other names: short protein forms I559T.
Identifiers: ClinVar variation 1310626 (VCV001310626.3), dbSNP rs2145907314, ClinGen allele CA404272901.